The following is an entry in ClinVar:

NM_006389.5(HYOU1):c.807C>G (p.Thr269=)

Gene: HYOU1 (hypoxia up-regulated 1; minus strand). Cytogenetic location: 11q23.3.
Variant type: single nucleotide variant.
Coding change: c.807C>G on transcript NM_006389.5 (MANE Select); coding-DNA position 807, C replaced by G.
Protein change: p.Thr269=; no amino-acid change (threonine 269 retained).
Molecular consequence: synonymous variant.
Genome position (GRCh38, 1-based): chr11:119,052,817, G>C on the plus strand (C>G on the coding strand, the complement: HYOU1 is on the minus strand). VCF-style: chr11-119052817-G-C. GRCh37 (hg19) VCF-style: chr11-118923529-G-C.
Other names: c.807C>G (NM_006389.4); c.807C>G, p.Thr269= (NM_001130991.3, NM_001411041.1).
Identifiers: ClinVar variation 1929984 (VCV001929984.6), dbSNP rs141477322, ClinGen allele CA229623757.

ClinVar aggregate classification (germline): Likely benign. Review status: criteria provided, multiple submitters, no conflicts (2 of 4 stars). 2 submissions from 2 submitters: Likely benign (2). Last evaluated 2025-06-16.

Conditions:
HYOU1-related disorder. Also called: HYOU1-related condition.

gnomAD v4.1: 59 of 1,613,386 alleles (0.0037%); highest among the groups gnomAD compares: Non-Finnish European, 0.0049%; no homozygotes.

Submissions (2):

PreventionGenetics, part of Exact Sciences
Classification: Likely benign for HYOU1-related condition. Last evaluated: 2025-06-16. Review status: criteria provided, single submitter. Criteria: ACMG Guidelines, 2015. Collection method: clinical testing. Allele origin: germline.
Comment: This variant is classified as likely benign based on ACMG/AMP sequence variant interpretation guidelines (Richards et al. 2015 PMID: 25741868, with internal and published modifications).

Labcorp Genetics (formerly Invitae), Labcorp
Classification: Likely benign. Last evaluated: 2025-03-11. Review status: criteria provided, single submitter. Criteria: Invitae Variant Classification Sherloc (09022015). Collection method: clinical testing. Allele origin: germline.